The following is an entry in ClinVar:

ClinVar aggregate classification (germline): Likely benign (0 of 4 stars; one submission).

Conditions:
FAM47B-related disorder. Also called: FAM47B-related condition.

Submission:

PreventionGenetics, part of Exact Sciences
Classification: Likely benign for FAM47B-related condition. Last evaluated: 2019-09-13. Review status: no assertion criteria provided. Collection method: clinical testing. Allele origin: germline.
Comment: This variant is classified as likely benign based on ACMG/AMP sequence variant interpretation guidelines (Richards et al. 2015 PMID: 25741868, with internal and published modifications).

NM_152631.3(FAM47B):c.855G>A (p.Pro285=)

Gene: FAM47B (family with sequence similarity 47 member B; plus strand). Cytogenetic location: Xp21.1.
Variant type: single nucleotide variant.
Coding change: c.855G>A on transcript NM_152631.3 (MANE Select); coding-DNA position 855, G replaced by A.
Protein change: p.Pro285=; no amino-acid change (proline 285 retained).
Molecular consequence: synonymous variant.
Genome position (GRCh38, 1-based): chrX:34,943,686, G>A. VCF-style: chrX-34943686-G-A. GRCh37 (hg19) VCF-style: chrX-34961803-G-A.
Identifiers: ClinVar variation 3356943 (VCV003356943.1).